The following is an entry in ClinVar:

ClinVar aggregate classification (germline): Conflicting classifications of pathogenicity. Review status: criteria provided, conflicting classifications (1 of 4 stars). 3 submissions from 3 submitters: Uncertain significance (1); Likely benign (1). 1 of the submissions does not count toward it. Last evaluated 2025-11-10.

Conditions:
KRT71-related disorder. Also called: KRT71-related condition.

Allele frequency attached by ClinVar (database versions not stated): 1000 Genomes Project 30x 0.00016; 1000 Genomes Project 0.00020; TOPMed 0.00033; gnomAD 0.00034; ExAC 0.00038; gnomAD exomes 0.00044; ESP Exome Variant Server 0.00062.

Submissions (3):

Labcorp Genetics (formerly Invitae), Labcorp
Classification: Likely benign. Last evaluated: 2025-11-10. Review status: criteria provided, single submitter. Criteria: Invitae Variant Classification Sherloc (09022015). Collection method: clinical testing. Allele origin: germline.

Ambry Genetics
Classification: Uncertain significance. Last evaluated: 2022-08-17. Review status: criteria provided, single submitter. Criteria: Ambry Variant Classification Scheme 2023. Collection method: clinical testing. Allele origin: germline.

PreventionGenetics, part of Exact Sciences
Classification: Likely benign for KRT71-related condition. Last evaluated: 2020-04-28. Review status: no assertion criteria provided. Collection method: clinical testing. Allele origin: germline. Not counted in ClinVar's aggregate classification.
Comment: This variant is classified as likely benign based on ACMG/AMP sequence variant interpretation guidelines (Richards et al. 2015 PMID: 25741868, with internal and published modifications).

NM_033448.3(KRT71):c.1541T>C (p.Leu514Pro)

Gene: KRT71 (keratin 71; minus strand). Cytogenetic location: 12q13.13.
Variant type: single nucleotide variant.
Coding change: c.1541T>C on transcript NM_033448.3 (MANE Select); coding-DNA position 1541, T replaced by C.
Protein change: p.Leu514Pro; replaces leucine 514 with proline.
Molecular consequence: missense variant.
Genome position (GRCh38, 1-based): chr12:52,544,563, A>G on the plus strand (T>C on the coding strand, the complement: KRT71 is on the minus strand). VCF-style: chr12-52544563-A-G. GRCh37 (hg19) VCF-style: chr12-52938347-A-G.
Other names: short protein forms L514P.
Identifiers: ClinVar variation 2055588 (VCV002055588.7), dbSNP rs142303164, ClinGen allele CA6583012.